The following is an entry in ClinVar:

NM_004655.4(AXIN2):c.880G>C (p.Ala294Pro)

Gene: AXIN2 (axin 2; minus strand). Cytogenetic location: 17q24.1.
Variant type: single nucleotide variant.
Coding change: c.880G>C on transcript NM_004655.4 (MANE Select); coding-DNA position 880, G replaced by C.
Protein change: p.Ala294Pro; replaces alanine 294 with proline.
Molecular consequence: missense variant.
Genome position (GRCh38, 1-based): chr17:65,549,596, C>G on the plus strand (G>C on the coding strand, the complement: AXIN2 is on the minus strand). VCF-style: chr17-65549596-C-G. GRCh37 (hg19) VCF-style: chr17-63545714-C-G.
Other names: c.880G>C, p.Ala294Pro (NM_001363813.1); short protein forms A294P.
Identifiers: ClinVar variation 834365 (VCV000834365.14), dbSNP rs2044163758, ClinGen allele CA400679582.

ClinVar aggregate classification (germline): Uncertain significance. Review status: criteria provided, multiple submitters, no conflicts (2 of 4 stars). 3 submissions from 3 submitters: Uncertain significance (3). Last evaluated 2025-03-06.

Conditions:
Hereditary cancer-predisposing syndrome. Also called: Hereditary neoplastic syndrome; Neoplastic Syndromes, Hereditary; Tumor predisposition; Hereditary Cancer Syndrome. Identifiers: Orphanet 140162, MedGen C0027672, MeSH D009386, MONDO:0015356.
Oligodontia-cancer predisposition syndrome. Also called: TOOTH AGENESIS-COLORECTAL CANCER SYNDROME. Identifiers: Orphanet 300576, MedGen C1837750, MONDO:0012075, OMIM 608615. Disease mechanism: loss of function.

gnomAD v4.1: 4 of 1,607,206 alleles (0.00025%); highest among the groups gnomAD compares: East Asian, 0.009%; no homozygotes.

Submissions (3):

Ambry Genetics
Classification: Uncertain significance for Hereditary cancer-predisposing syndrome. Last evaluated: 2025-03-06. Review status: criteria provided, single submitter. Criteria: Ambry Variant Classification Scheme 2023. Collection method: clinical testing. Allele origin: germline.
Comment: The p.A294P variant (also known as c.880G>C), located in coding exon 2 of the AXIN2 gene, results from a G to C substitution at nucleotide position 880. The alanine at codon 294 is replaced by proline, an amino acid with highly similar properties. This amino acid position is well conserved in available vertebrate species. In addition, this alteration is predicted to be deleterious by in silico analysis. Based on the available evidence, the clinical significance of this variant remains unclear.

GeneDx
Classification: Uncertain significance. Last evaluated: 2023-10-03. Review status: criteria provided, single submitter. Criteria: GeneDx Variant Classification Process June 2021. Collection method: clinical testing. Allele origin: germline. Affected: yes.
Comment: Not observed at significant frequency in large population cohorts (gnomAD); In silico analysis supports that this missense variant has a deleterious effect on protein structure/function; Has not been previously published as pathogenic or benign to our knowledge

Labcorp Genetics (formerly Invitae), Labcorp
Classification: Uncertain significance for Oligodontia-cancer predisposition syndrome. Last evaluated: 2023-09-08. Review status: criteria provided, single submitter. Criteria: Invitae Variant Classification Sherloc (09022015). Collection method: clinical testing. Allele origin: germline.
Comment: ClinVar contains an entry for this variant (Variation ID: 834365). This sequence change replaces alanine, which is neutral and non-polar, with proline, which is neutral and non-polar, at codon 294 of the AXIN2 protein (p.Ala294Pro). This variant is not present in population databases (gnomAD no frequency). This variant has not been reported in the literature in individuals affected with AXIN2-related conditions. Advanced modeling of protein sequence and biophysical properties (such as structural, functional, and spatial information, amino acid conservation, physicochemical variation, residue mobility, and thermodynamic stability) performed at Invitae indicates that this missense variant is not expected to disrupt AXIN2 protein function. In summary, the available evidence is currently insufficient to determine the role of this variant in disease. Therefore, it has been classified as a Variant of Uncertain Significance.